The following is an entry in ClinVar:

NM_002971.6(SATB1):c.893C>T (p.Thr298Ile)

Gene: SATB1 (SATB homeobox 1; minus strand). Cytogenetic location: 3p24.3.
Variant type: single nucleotide variant.
Coding change: c.893C>T on transcript NM_002971.6 (MANE Select); coding-DNA position 893, C replaced by T.
Protein change: p.Thr298Ile; replaces threonine 298 with isoleucine.
Molecular consequence: missense variant.
Genome position (GRCh38, 1-based): chr3:18,394,775, G>A on the plus strand (C>T on the coding strand, the complement: SATB1 is on the minus strand). VCF-style: chr3-18394775-G-A. GRCh37 (hg19) VCF-style: chr3-18436267-G-A.
Other names: c.893C>T, p.Thr298Ile (NM_001131010.4, NM_001195470.3, NM_001322871.2 and 4 more transcripts); c.677C>T, p.Thr226Ile (NM_001322876.2); short protein forms T226I, T298I.
Identifiers: ClinVar variation 3384811 (VCV003384811.1).

ClinVar aggregate classification (germline): Uncertain significance (1 of 4 stars; one submission).

Submission:

Women's Health and Genetics/Laboratory Corporation of America, LabCorp
Classification: Uncertain significance. Last evaluated: 2024-10-09. Review status: criteria provided, single submitter. Criteria: LabCorp Variant Classification Summary - May 2015. Collection method: clinical testing. Allele origin: germline.
Comment: Variant summary: SATB1 c.893C>T (p.Thr298Ile) results in a non-conservative amino acid change in the encoded protein sequence. Three of five in-silico tools predict a benign effect of the variant on protein function. The variant was absent in 251388 control chromosomes. The available data on variant occurrences in the general population are insufficient to allow any conclusion about variant significance. To our knowledge, no occurrence of c.893C>T in individuals affected with SATB1-Related Disorders and no experimental evidence demonstrating its impact on protein function have been reported. No submitters have cited clinical-significance assessments for this variant to ClinVar. Based on the evidence outlined above, the variant was classified as uncertain significance.